The following is an entry in ClinVar:

NM_015102.5(NPHP4):c.2767C>T (p.Arg923Cys)

Gene: NPHP4 (nephrocystin 4; minus strand). Cytogenetic location: 1p36.31.
Variant type: single nucleotide variant.
Coding change: c.2767C>T on transcript NM_015102.5 (MANE Select); coding-DNA position 2767, C replaced by T.
Protein change: p.Arg923Cys; replaces arginine 923 with cysteine.
Molecular consequence: missense variant. On other transcripts: non-coding transcript variant (1).
Genome position (GRCh38, 1-based): chr1:5,877,143, G>A on the plus strand (C>T on the coding strand, the complement: NPHP4 is on the minus strand). VCF-style: chr1-5877143-G-A. GRCh37 (hg19) VCF-style: chr1-5937203-G-A.
Other names: c.1228C>T, p.Arg410Cys (NM_001291593.2); c.1231C>T, p.Arg411Cys (NM_001291594.2); short protein forms R411C, R410C, R923C.
Identifiers: ClinVar variation 2199955 (VCV002199955.2), dbSNP rs763099264, ClinGen allele CA553941.

ClinVar aggregate classification (germline): Uncertain significance. Review status: criteria provided, multiple submitters, no conflicts (2 of 4 stars). 2 submissions from 2 submitters: Uncertain significance (2). Last evaluated 2024-01-23.

Conditions:
Nephronophthisis. Also called: Juvenile Nephronophthisis. Identifiers: Orphanet 655, MedGen C0687120, MONDO:0019005, HP:0000090.
Nephronophthisis 4 (NPHP4). Also called: NEPHRONOPHTHISIS 4, JUVENILE. Identifiers: Orphanet 655, MedGen C1847013, MONDO:0011752, OMIM 606966.
Senior-Loken syndrome 4 (SLSN4). Identifiers: Orphanet 3156, MedGen C1846979, MONDO:0011756, OMIM 606996.

Allele frequency attached by ClinVar (database versions not stated): gnomAD 0.00003.
gnomAD v4.1: 25 of 1,598,112 alleles (0.0016%); highest among the groups gnomAD compares: Admixed American, 0.0034%; no homozygotes.

Submissions (2):

Fulgent Genetics
Classification: Uncertain significance for Nephronophthisis 4; Senior-Loken syndrome 4. Last evaluated: 2024-01-23. Review status: criteria provided, single submitter. Criteria: ACMG Guidelines, 2015. Collection method: clinical testing. Allele origin: germline.

Labcorp Genetics (formerly Invitae), Labcorp
Classification: Uncertain significance for Nephronophthisis. Last evaluated: 2022-06-22. Review status: criteria provided, single submitter. Criteria: Invitae Variant Classification Sherloc (09022015). Collection method: clinical testing. Allele origin: germline.
Comment: This sequence change replaces arginine, which is basic and polar, with cysteine, which is neutral and slightly polar, at codon 923 of the NPHP4 protein (p.Arg923Cys). The frequency data for this variant in the population databases is considered unreliable, as metrics indicate poor data quality at this position in the gnomAD database. This variant has not been reported in the literature in individuals affected with NPHP4-related conditions. Algorithms developed to predict the effect of missense changes on protein structure and function are either unavailable or do not agree on the potential impact of this missense change (SIFT: "Deleterious"; PolyPhen-2: "Probably Damaging"; Align-GVGD: "Class C0"). In summary, the available evidence is currently insufficient to determine the role of this variant in disease. Therefore, it has been classified as a Variant of Uncertain Significance.